The following is an entry in ClinVar:

ClinVar aggregate classification (germline): Uncertain significance (1 of 4 stars; one submission).

Conditions:
Tuberous sclerosis 1 (TSC1). Identifiers: Orphanet 805, MedGen C1854465, MONDO:0008612, OMIM 191100.

Submission:

Labcorp Genetics (formerly Invitae), Labcorp
Classification: Uncertain significance for Tuberous sclerosis 1. Last evaluated: 2024-01-18. Review status: criteria provided, single submitter. Criteria: Invitae Variant Classification Sherloc (09022015). Collection method: clinical testing. Allele origin: germline.
Comment: This sequence change replaces serine, which is neutral and polar, with leucine, which is neutral and non-polar, at codon 163 of the TSC1 protein (p.Ser163Leu). This variant is not present in population databases (gnomAD no frequency). This variant has not been reported in the literature in individuals affected with TSC1-related conditions. Advanced modeling of protein sequence and biophysical properties (such as structural, functional, and spatial information, amino acid conservation, physicochemical variation, residue mobility, and thermodynamic stability) performed at Invitae indicates that this missense variant is not expected to disrupt TSC1 protein function with a negative predictive value of 95%. In summary, the available evidence is currently insufficient to determine the role of this variant in disease. Therefore, it has been classified as a Variant of Uncertain Significance.

NM_000368.5(TSC1):c.488C>T (p.Ser163Leu)

Gene: TSC1 (TSC complex subunit 1; minus strand). Cytogenetic location: 9q34.13.
Variant type: single nucleotide variant.
Coding change: c.488C>T on transcript NM_000368.5 (MANE Select); coding-DNA position 488, C replaced by T.
Protein change: p.Ser163Leu; replaces serine 163 with leucine.
Molecular consequence: missense variant. On other transcripts: 5 prime UTR variant (5), non-coding transcript variant (5).
Genome position (GRCh38, 1-based): chr9:132,923,368, G>A on the plus strand (C>T on the coding strand, the complement: TSC1 is on the minus strand). VCF-style: chr9-132923368-G-A. GRCh37 (hg19) VCF-style: chr9-135798755-G-A.
Other names: c.488C>T, p.Ser163Leu (NM_001162426.2, NM_001406592.1, NM_001406593.1 and 16 more transcripts); c.335C>T, p.Ser112Leu (NM_001162427.2, NM_001406610.1, NM_001406611.1 and 2 more transcripts); c.125C>T, p.Ser42Leu (NM_001362177.2, NM_001406617.1, NM_001406618.1 and 10 more transcripts); c.-390C>T (NM_001406626.1, NM_001406627.1, NM_001406628.1); c.-532C>T (NM_001406629.1); c.-606C>T (NM_001406630.1); short protein forms S42L, S163L, S112L.
Identifiers: ClinVar variation 2710080 (VCV002710080.3), dbSNP rs1846671274, ClinGen allele CA375373187.